The following is an entry in ClinVar:

ClinVar aggregate classification (germline): Uncertain significance (1 of 4 stars; one submission).

Allele frequency attached by ClinVar (database versions not stated): gnomAD exomes below 0.00001; TOPMed below 0.00001; gnomAD 0.00001.
gnomAD v4.1: 3 of 1,613,466 alleles (0.00019%); highest among the groups gnomAD compares: African/African-American, 0.004%; no homozygotes.

Submission:

Labcorp Genetics (formerly Invitae), Labcorp
Classification: Uncertain significance. Last evaluated: 2021-03-12. Review status: criteria provided, single submitter. Criteria: Invitae Variant Classification Sherloc (09022015). Collection method: clinical testing. Allele origin: germline.
Comment: In summary, the available evidence is currently insufficient to determine the role of this variant in disease. Therefore, it has been classified as a Variant of Uncertain Significance. Algorithms developed to predict the effect of missense changes on protein structure and function are either unavailable or do not agree on the potential impact of this missense change (SIFT: "Tolerated"; PolyPhen-2: "Possibly Damaging"; Align-GVGD: "Class C0"). This variant has not been reported in the literature in individuals with AP3B2-related conditions. This variant is not present in population databases (ExAC no frequency). This sequence change replaces alanine with valine at codon 363 of the AP3B2 protein (p.Ala363Val). The alanine residue is highly conserved and there is a small physicochemical difference between alanine and valine.

NM_001278512.2(AP3B2):c.1088C>T (p.Ala363Val)

Genes: AP3B2 (adaptor related protein complex 3 subunit beta 2; minus strand), CPEB1-AS1 (CPEB1 antisense RNA 1; plus strand). Cytogenetic location: 15q25.2.
Variant type: single nucleotide variant.
Coding change: c.1088C>T on transcript NM_001278512.2 (MANE Select); coding-DNA position 1088, C replaced by T.
Protein change: p.Ala363Val; replaces alanine 363 with valine.
Molecular consequence: missense variant.
Genome position (GRCh38, 1-based): chr15:82,680,197, G>A on the plus strand (C>T on the coding strand, the complement: AP3B2 is on the minus strand). VCF-style: chr15-82680197-G-A. GRCh37 (hg19) VCF-style: chr15-83348949-G-A.
Other names: c.992C>T, p.Ala331Val (NM_001278511.2); c.1088C>T, p.Ala363Val (NM_004644.5); short protein forms A331V, A363V.
Identifiers: ClinVar variation 1428537 (VCV001428537.6), dbSNP rs1319472679, ClinGen allele CA393318134.